The following is an entry in ClinVar:

ClinVar aggregate classification (germline): Likely benign. Review status: criteria provided, single submitter (1 of 4 stars). 2 submissions from 1 submitter: Likely benign (2). Last evaluated 2018-01-13.

Conditions:
Amyotrophic lateral sclerosis type 8 (ALS8). Identifiers: Orphanet 803, MedGen C1837728, MONDO:0012077, OMIM 608627.
Adult-onset proximal spinal muscular atrophy, autosomal dominant. Also called: FINKEL LATE-ADULT TYPE SMA; Spinal muscular atrophy, late-onset, finkel type. Identifiers: Orphanet 209335, MedGen C1854058, MONDO:0008453, OMIM 182980.

Allele frequency attached by ClinVar (database versions not stated): gnomAD exomes 0.00002 and 0.00005; gnomAD 0.00005 and 0.00006; TOPMed 0.00007; ExAC 0.00019.
gnomAD v4.1: 20 of 453,904 alleles (0.0044%); highest among the groups gnomAD compares: African/African-American, 0.012%; no homozygotes.

Submissions (2):

Illumina Laboratory Services, Illumina
Classification: Likely benign for Amyotrophic lateral sclerosis type 8. Last evaluated: 2018-01-13. Review status: criteria provided, single submitter. Criteria: ICSL Variant Classification Criteria 13 December 2019. Collection method: clinical testing. Allele origin: germline.
Comment: This variant was observed in the ICSL laboratory as part of a predisposition screen in an ostensibly healthy population. It had not been previously curated by ICSL or reported in the Human Gene Mutation Database (HGMD: prior to June 1st, 2018), and was therefore a candidate for classification through an automated scoring system. Utilizing variant allele frequency, disease prevalence and penetrance estimates, and inheritance mode, an automated score was calculated to assess if this variant is too frequent to cause the disease. Based on the score and internal cut-off values, a variant classified as likely benign is not then subjected to further curation. The score for this variant resulted in a classification of likely benign for this disease.

Illumina Laboratory Services, Illumina
Classification: Likely benign for Adult-onset proximal spinal muscular atrophy, autosomal dominant. Last evaluated: 2018-01-13. Review status: criteria provided, single submitter. Criteria: ICSL Variant Classification Criteria 13 December 2019. Collection method: clinical testing. Allele origin: germline.
Comment: the same text as in the submission from Illumina Laboratory Services, Illumina above.

NM_004738.5(VAPB):c.*4265G>A

Gene: VAPB (VAMP associated protein B and C; plus strand). Cytogenetic location: 20q13.32.
Variant type: single nucleotide variant.
Coding change: c.*4265G>A on transcript NM_004738.5 (MANE Select); 4265 bases downstream of the stop codon, G replaced by A.
Molecular consequence: 3 prime UTR variant. On other transcripts: non-coding transcript variant (1).
Genome position (GRCh38, 1-based): chr20:58,448,500, G>A. VCF-style: chr20-58448500-G-A. GRCh37 (hg19) VCF-style: chr20-57023556-G-A.
Other names: c.*4335G>A (NM_001195677.2).
Identifiers: ClinVar variation 338989 (VCV000338989.6), dbSNP rs780267648, ClinGen allele CA9924574.
Genomic context (GRCh38, chr20:58,448,500, plus strand): 5'-CGCTCATTGAACTTAATCCTTGCAACTGTGACTGGGGGGTAGATGGCTCTGTTTGCATAC[G>A]AAGAAATAAAGGCTCCAGGAGGTTAAATCGGGCAACTTTTTAGAACTAAATCAGTCTCTG-3'